The following is an entry in ClinVar:

NM_002528.7(NTHL1):c.596C>G (p.Ser199Cys)

Gene: NTHL1 (nth like DNA glycosylase 1; minus strand). Cytogenetic location: 16p13.3.
Variant type: single nucleotide variant.
Coding change: c.596C>G on transcript NM_002528.7 (MANE Select); coding-DNA position 596, C replaced by G.
Protein change: p.Ser199Cys; replaces serine 199 with cysteine.
Molecular consequence: missense variant.
Genome position (GRCh38, 1-based): chr16:2,043,656, G>C on the plus strand (C>G on the coding strand, the complement: NTHL1 is on the minus strand). VCF-style: chr16-2043656-G-C. GRCh37 (hg19) VCF-style: chr16-2093657-G-C.
Other names: c.620C>G (NM_002528.5); c.425C>G, p.Ser142Cys (NM_001318193.2); c.266C>G, p.Ser89Cys (NM_001318194.2); short protein forms S199C, S89C, S142C.
Identifiers: ClinVar variation 864545 (VCV000864545.9), dbSNP rs2084299591, ClinGen allele CA394291730.

ClinVar aggregate classification (germline): Uncertain significance. Review status: criteria provided, multiple submitters, no conflicts (2 of 4 stars). 2 submissions from 2 submitters: Uncertain significance (2). Last evaluated 2026-03-29.

Conditions:
Hereditary cancer-predisposing syndrome. Also called: Tumor predisposition; Neoplastic Syndromes, Hereditary; Hereditary neoplastic syndrome; Hereditary Cancer Syndrome. Identifiers: Orphanet 140162, MedGen C0027672, MeSH D009386, MONDO:0015356.

Submissions (2):

Ambry Genetics
Classification: Uncertain significance for Hereditary cancer-predisposing syndrome. Last evaluated: 2026-03-29. Review status: criteria provided, single submitter. Criteria: Ambry Variant Classification Scheme 2023. Collection method: clinical testing. Allele origin: germline.
Comment: The p.S207C variant (also known as c.620C>G), located in coding exon 4 of the NTHL1 gene, results from a C to G substitution at nucleotide position 620. The serine at codon 207 is replaced by cysteine, an amino acid with dissimilar properties. This amino acid position is conserved. In addition, this alteration is predicted to be tolerated by in silico analysis. Based on the available evidence, the clinical significance of this variant remains unclear.

Labcorp Genetics (formerly Invitae), Labcorp
Classification: Uncertain significance. Last evaluated: 2025-10-06. Review status: criteria provided, single submitter. Criteria: Invitae Variant Classification Sherloc (09022015). Collection method: clinical testing. Allele origin: germline.
Comment: This sequence change replaces serine, which is neutral and polar, with cysteine, which is neutral and slightly polar, at codon 207 of the NTHL1 protein (p.Ser207Cys). This variant is not present in population databases (gnomAD no frequency). This variant has not been reported in the literature in individuals affected with NTHL1-related conditions. ClinVar contains an entry for this variant (Variation ID: 864545). An algorithm developed to predict the effect of missense changes on protein structure and function (PolyPhen-2) suggests that this variant is likely to be tolerated. In summary, the available evidence is currently insufficient to determine the role of this variant in disease. Therefore, it has been classified as a Variant of Uncertain Significance.